The following is an entry in ClinVar:

ClinVar aggregate classification (germline): Uncertain significance. Review status: criteria provided, multiple submitters, no conflicts (2 of 4 stars). 3 submissions from 3 submitters: Uncertain significance (3). Last evaluated 2025-04-13.

Conditions:
RYR1-related disorder. Also called: RYR1-related condition; RYR1-related disorders. Identifiers: MedGen CN239331.
Malignant hyperthermia, susceptibility to, 1 (MHS1). Also called: Anesthesia related hyperthermia; Malignant hyperpyrexia; Fulminating hyperpyrexia; Pharmacogenic myopathy; RYR1-Related Malignant Hyperthermia Susceptibility; Malignant hyperthermia suceptibility 1. Identifiers: Orphanet 423, MedGen C2930980, MONDO:0007783, OMIM 145600.

Allele frequency attached by ClinVar (database versions not stated): gnomAD exomes 0.00001; ExAC 0.00003.
gnomAD v4.1: 12 of 1,609,742 alleles (0.00075%); highest among the groups gnomAD compares: Admixed American, 0.018%; no homozygotes.

Submissions (3):

Labcorp Genetics (formerly Invitae), Labcorp
Classification: Uncertain significance for RYR1-related disorder. Last evaluated: 2025-04-13. Review status: criteria provided, single submitter. Criteria: Invitae Variant Classification Sherloc (09022015). Collection method: clinical testing. Allele origin: germline.
Comment: This sequence change replaces glutamic acid, which is acidic and polar, with aspartic acid, which is acidic and polar, at codon 1881 of the RYR1 protein (p.Glu1881Asp). The frequency data for this variant in the population databases is considered unreliable, as metrics indicate poor data quality at this position in the gnomAD database. This variant has not been reported in the literature in individuals affected with RYR1-related conditions. ClinVar contains an entry for this variant (Variation ID: 2173477). Invitae Evidence Modeling of protein sequence and biophysical properties (such as structural, functional, and spatial information, amino acid conservation, physicochemical variation, residue mobility, and thermodynamic stability) indicates that this missense variant is not expected to disrupt RYR1 protein function with a negative predictive value of 95%. In summary, the available evidence is currently insufficient to determine the role of this variant in disease. Therefore, it has been classified as a Variant of Uncertain Significance.

All of Us Research Program, National Institutes of Health
Classification: Uncertain significance for Malignant hyperthermia, susceptibility to, 1. Last evaluated: 2023-12-01. Review status: criteria provided, single submitter. Criteria: ACMG Guidelines, 2015. Collection method: clinical testing. Allele origin: germline. Inheritance: Autosomal dominant inheritance. Observed: 1 variant allele, 1 heterozygote.
Comment: This study involves interpretation of variants in research participants for the purpose of population health screening. Participant phenotype was not available at the time of variant classification. Additional details can be found in publication PMID: 35346344, PMCID: PMC8962531

Revvity Omics, Revvity
Classification: Uncertain significance. Last evaluated: 2022-12-22. Review status: criteria provided, single submitter. Criteria: ACMG Guidelines, 2015. Collection method: clinical testing. Allele origin: germline.

NM_000540.3(RYR1):c.5643G>C (p.Glu1881Asp)

Gene: RYR1 (ryanodine receptor 1; plus strand). Cytogenetic location: 19q13.2.
Variant type: single nucleotide variant.
Coding change: c.5643G>C on transcript NM_000540.3 (MANE Select); coding-DNA position 5643, G replaced by C.
Protein change: p.Glu1881Asp; replaces glutamic acid 1881 with aspartic acid.
Molecular consequence: missense variant.
Genome position (GRCh38, 1-based): chr19:38,489,272, G>C. VCF-style: chr19-38489272-G-C. GRCh37 (hg19) VCF-style: chr19-38979912-G-C.
Other names: c.5643G>C, p.Glu1881Asp (NM_001042723.2); short protein forms E1881D.
Identifiers: ClinVar variation 2173477 (VCV002173477.6), dbSNP rs770776594, ClinGen allele CA067338.
Genomic context (GRCh38, chr19:38,489,272, plus strand): 5'-GATCTTGAAGATGATTGAGCCTGAGGTCTTCACTGAGGAAGAAGAGGAGGAGGACGAGGA[G>C]GAAGAGGGTGAAGAGGAAGATGAGGAGGAGAAGGAGGAGGATGAGGAGGAAACAGCACAG-3'
Protein context (NP_000531.2, residues 1871-1891): FTEEEEEEDE[Glu1881Asp]EEGEEEDEEE